The following is an entry in ClinVar:

ClinVar aggregate classification (germline): Benign. Review status: criteria provided, multiple submitters, no conflicts (2 of 4 stars). 3 submissions from 3 submitters: Benign (3). Last evaluated 2025-10-02.

Conditions:
Age related macular degeneration 4. Identifiers: MedGen C1853147, MONDO:0012540, OMIM 610698.
Basal laminar drusen. Also called: DRUSEN OF BRUCH MEMBRANE; DRUSEN, CUTICULAR; DRUSEN, EARLY ADULT-ONSET, GROUPED. Identifiers: Orphanet 75376, MedGen C0730295, MONDO:0007472, OMIM 126700.
Factor H deficiency (CFHD). Also called: CFH DEFICIENCY; COMPLEMENT FACTOR H DEFICIENCY. Identifiers: Orphanet 200421, MedGen C0398777, MONDO:0012350, OMIM 609814.
Atypical hemolytic-uremic syndrome. Identifiers: Orphanet 2134, MedGen C2931788, MONDO:0016244.

Allele frequency attached by ClinVar (database versions not stated): gnomAD exomes 0.59160; gnomAD 0.66860 and 0.67392; ExAC 0.67527; TOPMed 0.69497; 1000 Genomes Project 30x 0.77217; 1000 Genomes Project 0.77476.
gnomAD v4.1: 657,342 of 1,087,864 alleles (60%); highest among the groups gnomAD compares: East Asian, 93%; 203,309 homozygotes.

Submissions (3):

Genomenon, Inc
Classification: Benign for Basal laminar drusen; Age related macular degeneration 4; Atypical hemolytic-uremic syndrome; Factor H deficiency. Last evaluated: 2025-10-02. Review status: criteria provided, single submitter. Criteria: Genomenon Sequence Variant Interpretation Standards - Updated. Collection method: curation. Allele origin: germline. Affected: no.
Comment: CFH c.2414-28C>A is an intronic variant located in intron 15. This variant is present at high allele frequency in population databases. In conclusion, we classify CFH c.2414-28C>A as a benign variant.

GeneDx
Classification: Benign. Last evaluated: 2021-05-10. Review status: criteria provided, single submitter. Criteria: GeneDx Variant Classification Process June 2021. Collection method: clinical testing. Allele origin: germline. Affected: yes.

Breakthrough Genomics
Classification: Benign. Review status: criteria provided, single submitter. Criteria: ACMG Guidelines, 2015. Collection method: not provided. Allele origin: germline. Inheritance: Autosomal recessive inheritance. Affected: yes.

NM_000186.4(CFH):c.2414-28C>A

Gene: CFH (complement factor H; plus strand). Cytogenetic location: 1q31.3.
Variant type: single nucleotide variant.
Coding change: c.2414-28C>A on transcript NM_000186.4 (MANE Select); 28 bases into the intron before coding-DNA position 2414, C replaced by A.
Molecular consequence: intron variant.
Genome position (GRCh38, 1-based): chr1:196,736,796, C>A. VCF-style: chr1-196736796-C-A. GRCh37 (hg19) VCF-style: chr1-196705926-C-A.
Identifiers: ClinVar variation 1274202 (VCV001274202.3), dbSNP rs375046, ClinGen allele CA1305659.